The following is an entry in ClinVar:

ClinVar aggregate classification (germline): Uncertain significance. Review status: criteria provided, multiple submitters, no conflicts (2 of 4 stars). 3 submissions from 3 submitters: Uncertain significance (3). Last evaluated 2024-05-14.

Conditions:
Inborn genetic diseases. Identifiers: MedGen C0950123, MeSH D030342.
Infantile neuroaxonal dystrophy (NBIA2A). Also called: Infantile neuroaxonal dystrophy 1; SEITELBERGER DISEASE; NEURODEGENERATION WITH BRAIN IRON ACCUMULATION 2A. Identifiers: Orphanet 35069, MedGen C0270724, MONDO:0024457, OMIM 256600.

Allele frequency attached by ClinVar (database versions not stated): TOPMed below 0.00001; gnomAD exomes 0.00001 and 0.00002; ExAC 0.00002; gnomAD 0.00002.
gnomAD v4.1: 13 of 1,613,896 alleles (0.00081%); highest among the groups gnomAD compares: East Asian, 0.0045%; no homozygotes.

Submissions (3):

Ambry Genetics
Classification: Uncertain significance for Inborn genetic diseases. Last evaluated: 2024-05-14. Review status: criteria provided, single submitter. Criteria: Ambry Variant Classification Scheme 2023. Collection method: clinical testing. Allele origin: germline.

Labcorp Genetics (formerly Invitae), Labcorp
Classification: Uncertain significance for Infantile neuroaxonal dystrophy. Last evaluated: 2022-08-10. Review status: criteria provided, single submitter. Criteria: Invitae Variant Classification Sherloc (09022015). Collection method: clinical testing. Allele origin: germline.
Comment: This sequence change replaces glutamic acid, which is acidic and polar, with lysine, which is basic and polar, at codon 412 of the PLA2G6 protein (p.Glu412Lys). This variant is present in population databases (rs575880571, gnomAD 0.01%). This variant has not been reported in the literature in individuals affected with PLA2G6-related conditions. ClinVar contains an entry for this variant (Variation ID: 1012700). Advanced modeling of protein sequence and biophysical properties (such as structural, functional, and spatial information, amino acid conservation, physicochemical variation, residue mobility, and thermodynamic stability) performed at Invitae indicates that this missense variant is not expected to disrupt PLA2G6 protein function. In summary, the available evidence is currently insufficient to determine the role of this variant in disease. Therefore, it has been classified as a Variant of Uncertain Significance.

CeGaT Center for Human Genetics Tuebingen
Classification: Uncertain significance. Last evaluated: 2020-08-01. Review status: criteria provided, single submitter. Criteria: CeGaT Center For Human Genetics Tuebingen Variant Classification Criteria Version 2. Collection method: clinical testing. Allele origin: germline. Affected: yes. Observed: 1 variant allele.

NM_003560.4(PLA2G6):c.1234G>A (p.Glu412Lys)

Gene: PLA2G6 (phospholipase A2 group VI; minus strand). Cytogenetic location: 22q13.1.
Variant type: single nucleotide variant.
Coding change: c.1234G>A on transcript NM_003560.4 (MANE Select); coding-DNA position 1234, G replaced by A.
Protein change: p.Glu412Lys; replaces glutamic acid 412 with lysine.
Molecular consequence: missense variant. On other transcripts: intron variant (5).
Genome position (GRCh38, 1-based): chr22:38,128,383, C>T on the plus strand (G>A on the coding strand, the complement: PLA2G6 is on the minus strand). VCF-style: chr22-38128383-C-T. GRCh37 (hg19) VCF-style: chr22-38524390-C-T.
Other names: c.1234G>A (NM_003560.2); c.1234G>A, p.Glu412Lys (NM_001349864.2); c.700G>A, p.Glu234Lys (NM_001349867.2); c.556G>A, p.Glu186Lys (NM_001349868.2); c.1186+1071G>A (NM_001349866.2, NM_001199562.3, NM_001349865.2 and 1 more transcripts); c.652+1071G>A (NM_001349869.2); short protein forms E186K, E234K, E412K.
Identifiers: ClinVar variation 1012700 (VCV001012700.40), dbSNP rs575880571, ClinGen allele CA10230972.